The following is an entry in ClinVar:

ClinVar aggregate classification (germline): Uncertain significance (1 of 4 stars; one submission).

Conditions:
Hereditary breast ovarian cancer syndrome. Also called: Hereditary breast and ovarian cancer; Breast and ovarian cancer; BRCA1- and BRCA2-Associated Hereditary Breast and Ovarian Cancer; Hereditary breast and ovarian cancer syndrome (HBOC); Hereditary breast and ovarian cancer syndrome; Hereditary breast and/or ovarian cancer syndrome. Identifiers: Orphanet 145, MedGen C0677776, MeSH D061325, MONDO:0003582. Disease mechanism: loss of function.

Submission:

Labcorp Genetics (formerly Invitae), Labcorp
Classification: Uncertain significance for Hereditary breast ovarian cancer syndrome. Last evaluated: 2025-11-19. Review status: criteria provided, single submitter. Criteria: Invitae Variant Classification Sherloc (09022015). Collection method: clinical testing. Allele origin: germline.
Comment: This sequence change replaces serine, which is neutral and polar, with asparagine, which is neutral and polar, at codon 840 of the BRCA1 protein (p.Ser840Asn). This variant is not present in population databases (gnomAD no frequency). This variant has not been reported in the literature in individuals affected with BRCA1-related conditions. ClinVar contains an entry for this variant (Variation ID: 2894046). Invitae Evidence Modeling of protein sequence and biophysical properties (such as structural, functional, and spatial information, amino acid conservation, physicochemical variation, residue mobility, and thermodynamic stability) indicates that this missense variant is not expected to disrupt BRCA1 protein function with a negative predictive value of 80%. In summary, the available evidence is currently insufficient to determine the role of this variant in disease. Therefore, it has been classified as a Variant of Uncertain Significance.

NM_007294.4(BRCA1):c.2519G>A (p.Ser840Asn)

Gene: BRCA1 (BRCA1 DNA repair associated; minus strand). Cytogenetic location: 17q21.31.
Variant type: single nucleotide variant.
Coding change: c.2519G>A on transcript NM_007294.4 (MANE Select); coding-DNA position 2519, G replaced by A.
Protein change: p.Ser840Asn; replaces serine 840 with asparagine.
Molecular consequence: missense variant. On other transcripts: intron variant (137).
Genome position (GRCh38, 1-based): chr17:43,093,012, C>T on the plus strand (G>A on the coding strand, the complement: BRCA1 is on the minus strand). VCF-style: chr17-43093012-C-T. GRCh37 (hg19) VCF-style: chr17-41245029-C-T.
Other names: c.784+1732G>A (NM_001408402.1, NM_001408473.1, NM_001408399.1 and 13 more transcripts); c.671-1980G>A (NM_001408419.1, NM_001408418.1, NM_001408422.1 and 2 more transcripts); c.787+1732G>A (NM_001408403.1, NM_001407983.1, NM_001407975.1 and 17 more transcripts); c.664+1732G>A (NM_001408443.1, NM_001408439.1, NM_001408425.1 and 12 more transcripts); c.790+1729G>A (NM_001408406.1); c.646+1732G>A (NM_001408456.1, NM_001408458.1, NM_001408469.1 and 11 more transcripts); c.643+1732G>A (NM_001408462.1, NM_001408465.1, NM_001408463.1 and 3 more transcripts); c.709+1732G>A (NM_001408414.1, NM_001408411.1, NM_001408412.1 and 2 more transcripts); and 41 more; short protein forms S544N, S672N, S751N, S752N, S769N, S813N, S814N, S840N.
Identifiers: ClinVar variation 2894046 (VCV002894046.3), dbSNP rs2154373043, ClinGen allele CA10596958.
Genomic context (GRCh38, chr17:43,093,012, plus strand): 5'-GTATTCTGCAAATACTGAGCATCAAGTTCACTTTCTTCCATTTCTATGCTTGTTTCCCGA[C>T]TGTGGTTAACTTCATGTCCCAATGGATACTTAAAGCCTTCTGTGTCATTTCTATTATCTT-3'
Protein context (NP_009225.1, residues 830-850): KYPLGHEVNH[Ser840Asn]RETSIEMEES